The following is an entry in ClinVar:

ClinVar aggregate classification (germline): Uncertain significance (1 of 4 stars; one submission).

Allele frequency attached by ClinVar (database versions not stated): gnomAD exomes 0.00001; ExAC 0.00003; ESP Exome Variant Server 0.00008.
gnomAD v4.1: 10 of 1,610,544 alleles (0.00062%); highest among the groups gnomAD compares: African/African-American, 0.0013%; no homozygotes.

Submission:

Labcorp Genetics (formerly Invitae), Labcorp
Classification: Uncertain significance. Last evaluated: 2023-07-10. Review status: criteria provided, single submitter. Criteria: Invitae Variant Classification Sherloc (09022015). Collection method: clinical testing. Allele origin: germline.
Comment: ClinVar contains an entry for this variant (Variation ID: 1966018). An algorithm developed to predict the effect of missense changes on protein structure and function (PolyPhen-2) suggests that this variant is likely to be disruptive. Algorithms developed to predict the effect of sequence changes on RNA splicing suggest that this variant may create or strengthen a splice site. In summary, the available evidence is currently insufficient to determine the role of this variant in disease. Therefore, it has been classified as a Variant of Uncertain Significance. This variant has not been reported in the literature in individuals affected with IL2RB-related conditions. This sequence change replaces serine, which is neutral and polar, with leucine, which is neutral and non-polar, at codon 311 of the IL2RB protein (p.Ser311Leu). This variant is present in population databases (rs376447587, gnomAD 0.007%).

NM_000878.5(IL2RB):c.932C>T (p.Ser311Leu)

Gene: IL2RB (interleukin 2 receptor subunit beta; minus strand). Cytogenetic location: 22q12.3.
Variant type: single nucleotide variant.
Coding change: c.932C>T on transcript NM_000878.5 (MANE Select); coding-DNA position 932, C replaced by T.
Protein change: p.Ser311Leu; replaces serine 311 with leucine.
Molecular consequence: missense variant.
Genome position (GRCh38, 1-based): chr22:37,128,820, G>A on the plus strand (C>T on the coding strand, the complement: IL2RB is on the minus strand). VCF-style: chr22-37128820-G-A. GRCh37 (hg19) VCF-style: chr22-37524860-G-A.
Other names: c.932C>T, p.Ser311Leu (NM_001346222.1, NM_001346223.2); short protein forms S311L.
Identifiers: ClinVar variation 1966018 (VCV001966018.5), dbSNP rs376447587, ClinGen allele CA10216457.